The following is an entry in ClinVar:

ClinVar aggregate classification (germline): Uncertain significance (1 of 4 stars; one submission).

Conditions:
Immunodeficiency. Identifiers: MedGen C0021051, MONDO:0021094, HP:0002721.

Allele frequency attached by ClinVar (database versions not stated): gnomAD exomes below 0.00001.
gnomAD v4.1: 1 of 1,546,268 alleles (0.000065%); highest among the groups gnomAD compares: Non-Finnish European, 0.000087%; no homozygotes.

Submission:

Labcorp Genetics (formerly Invitae), Labcorp
Classification: Uncertain significance for Immunodeficiency. Last evaluated: 2019-05-07. Review status: criteria provided, single submitter. Criteria: Invitae Variant Classification Sherloc (09022015). Collection method: clinical testing. Allele origin: germline.
Comment: This sequence change falls in intron 5 of the NFAT5 gene. It does not directly change the encoded amino acid sequence of the NFAT5 protein, but it affects a nucleotide within the consensus splice site of the intron. This variant is not present in population databases (ExAC no frequency). This variant has not been reported in the literature in individuals with NFAT5-related disease. Nucleotide substitutions within the consensus splice site are a relatively common cause of aberrant splicing (PMID: 17576681, 9536098). Algorithms developed to predict the effect of sequence changes on RNA splicing suggest that this variant may create or strengthen a splice site, but this prediction has not been confirmed by published transcriptional studies. In summary, the available evidence is currently insufficient to determine the role of this variant in disease. Therefore, it has been classified as a Variant of Uncertain Significance.

Literature cited by the submitters: PubMed 17576681; PubMed 9536098.

NM_138713.4(NFAT5):c.812+4G>A

Gene: NFAT5 (nuclear factor of activated T cells 5; plus strand). Cytogenetic location: 16q22.1.
Variant type: single nucleotide variant.
Coding change: c.812+4G>A on transcript NM_138713.4 (MANE Select); 4 bases into the intron after coding-DNA position 812, G replaced by A.
Molecular consequence: intron variant.
Genome position (GRCh38, 1-based): chr16:69,647,590, G>A. VCF-style: chr16-69647590-G-A. GRCh37 (hg19) VCF-style: chr16-69681493-G-A.
Other names: c.812+4G>A (LRG_1332t1, NM_001113178.3); c.530+4G>A (NM_138714.4, NM_173214.3, NM_173215.3); c.758+4G>A (NM_006599.4); c.140+423G>A (NM_001367709.1).
Identifiers: ClinVar variation 661583 (VCV000661583.10), dbSNP rs752147639, ClinGen allele CA623575561.